The following is an entry in ClinVar:

ClinVar aggregate classification (germline): Uncertain significance. Review status: criteria provided, multiple submitters, no conflicts (2 of 4 stars). 4 submissions from 4 submitters: Uncertain significance (4). Last evaluated 2025-06-18.

Conditions:
Eichsfeld type congenital muscular dystrophy (CMYO3). Also called: MYOPATHY, SEPN1-RELATED; SELENON-related myopathy; Congenital myopathy 3 with rigid spine; Rigid spine muscular dystrophy 1. Identifiers: MedGen C0410180, MONDO:0100100, OMIM 602771.
Inborn genetic diseases. Identifiers: MedGen C0950123, MeSH D030342.

Allele frequency attached by ClinVar (database versions not stated): ExAC 0.00002; gnomAD exomes 0.00003 and 0.00008; gnomAD 0.00007; TOPMed 0.00009.
gnomAD v4.1: 119 of 1,614,042 alleles (0.0074%); highest among the groups gnomAD compares: Non-Finnish European, 0.0094%; no homozygotes.

Submissions (4):

Ambry Genetics
Classification: Uncertain significance for Inborn genetic diseases. Last evaluated: 2025-06-18. Review status: criteria provided, single submitter. Criteria: Ambry Variant Classification Scheme 2023. Collection method: clinical testing. Allele origin: germline.

Labcorp Genetics (formerly Invitae), Labcorp
Classification: Uncertain significance for Eichsfeld type congenital muscular dystrophy. Last evaluated: 2024-10-15. Review status: criteria provided, single submitter. Criteria: Invitae Variant Classification Sherloc (09022015). Collection method: clinical testing. Allele origin: germline.
Comment: This sequence change replaces methionine, which is neutral and non-polar, with valine, which is neutral and non-polar, at codon 85 of the SELENON protein (p.Met85Val). This variant is present in population databases (rs761605974, gnomAD 0.006%). This variant has not been reported in the literature in individuals affected with SELENON-related conditions. ClinVar contains an entry for this variant (Variation ID: 195363). Invitae Evidence Modeling of protein sequence and biophysical properties (such as structural, functional, and spatial information, amino acid conservation, physicochemical variation, residue mobility, and thermodynamic stability) indicates that this missense variant is not expected to disrupt SELENON protein function with a negative predictive value of 80%. In summary, the available evidence is currently insufficient to determine the role of this variant in disease. Therefore, it has been classified as a Variant of Uncertain Significance.

Revvity Omics, Revvity
Classification: Uncertain significance for Eichsfeld type congenital muscular dystrophy. Last evaluated: 2023-11-28. Review status: criteria provided, single submitter. Criteria: ACMG Guidelines, 2015. Collection method: clinical testing. Allele origin: germline.

Eurofins Ntd Llc (ga)
Classification: Uncertain significance. Last evaluated: 2015-05-18. Review status: criteria provided, single submitter. Criteria: EGL Classification Definitions 2015. Collection method: clinical testing. Allele origin: germline. Observed: 4 variant alleles, 4 heterozygotes.

NM_206926.2(SELENON):c.253A>G (p.Met85Val)

Gene: SELENON (selenoprotein N; plus strand). Cytogenetic location: 1p36.11.
Variant type: single nucleotide variant.
Coding change: c.253A>G on transcript NM_206926.2 (MANE Select); coding-DNA position 253, A replaced by G.
Protein change: p.Met85Val; replaces methionine 85 with valine.
Molecular consequence: missense variant.
Genome position (GRCh38, 1-based): chr1:25,801,112, A>G. VCF-style: chr1-25801112-A-G. GRCh37 (hg19) VCF-style: chr1-26127603-A-G.
Other names: c.253A>G, p.Met85Val (NM_020451.3); short protein forms M85V.
Identifiers: ClinVar variation 195363 (VCV000195363.14), dbSNP rs761605974, ClinGen allele CA241773.